The following is an entry in ClinVar:

NM_005802.5(TOPORS):c.2552G>A (p.Arg851Lys)

Gene: TOPORS (TOP1 binding arginine/serine rich protein, E3 ubiquitin ligase; minus strand). Cytogenetic location: 9p21.1.
Variant type: single nucleotide variant.
Coding change: c.2552G>A on transcript NM_005802.5 (MANE Select); coding-DNA position 2552, G replaced by A.
Protein change: p.Arg851Lys; replaces arginine 851 with lysine.
Molecular consequence: missense variant.
Genome position (GRCh38, 1-based): chr9:32,541,973, C>T on the plus strand (G>A on the coding strand, the complement: TOPORS is on the minus strand). VCF-style: chr9-32541973-C-T. GRCh37 (hg19) VCF-style: chr9-32541971-C-T.
Other names: c.2357G>A, p.Arg786Lys (NM_001195622.2); short protein forms R786K, R851K.
Identifiers: ClinVar variation 865900 (VCV000865900.7), dbSNP rs963932717, ClinGen allele CA192358242.

ClinVar aggregate classification (germline): Uncertain significance. Review status: criteria provided, multiple submitters, no conflicts (2 of 4 stars). 4 submissions from 4 submitters: Uncertain significance (4). Last evaluated 2025-12-17.

Conditions:
Retinitis pigmentosa 31 (RP31). Identifiers: Orphanet 791, MedGen C1835923, MONDO:0012367, OMIM 609923.
Inborn genetic diseases. Identifiers: MedGen C0950123, MeSH D030342.

Allele frequency attached by ClinVar (database versions not stated): TOPMed 0.00002; gnomAD exomes below 0.00001; gnomAD 0.00001.

Submissions (4):

Labcorp Genetics (formerly Invitae), Labcorp
Classification: Uncertain significance. Last evaluated: 2025-12-17. Review status: criteria provided, single submitter. Criteria: Invitae Variant Classification Sherloc (09022015). Collection method: clinical testing. Allele origin: germline.
Comment: This sequence change replaces arginine, which is basic and polar, with lysine, which is basic and polar, at codon 851 of the TOPORS protein (p.Arg851Lys). This variant is not present in population databases (gnomAD no frequency). This variant has not been reported in the literature in individuals affected with TOPORS-related conditions. ClinVar contains an entry for this variant (Variation ID: 865900). An algorithm developed to predict the effect of missense changes on protein structure and function outputs the following: PolyPhen-2: "Not Available". The lysine amino acid residue is found in multiple mammalian species, which suggests that this missense change does not adversely affect protein function. In summary, the available evidence is currently insufficient to determine the role of this variant in disease. Therefore, it has been classified as a Variant of Uncertain Significance.

Ambry Genetics
Classification: Uncertain significance for Inborn genetic diseases. Last evaluated: 2025-09-01. Review status: criteria provided, single submitter. Criteria: Ambry Variant Classification Scheme 2023. Collection method: clinical testing. Allele origin: germline.

Blueprint Genetics
Classification: Uncertain significance. Last evaluated: 2021-12-14. Review status: criteria provided, single submitter. Criteria: ACMG Guidelines, 2015. Collection method: clinical testing. Allele origin: germline.

Department of Pathology and Laboratory Medicine, Sinai Health System
Classification: Uncertain significance for Retinitis pigmentosa 31. Last evaluated: 2021-07-30. Review status: criteria provided, single submitter. Criteria: ACMG Guidelines, 2015. Collection method: research. Allele origin: germline.